The following is an entry in ClinVar:

NM_006208.3(ENPP1):c.860C>T (p.Ser287Phe)

Gene: ENPP1 (ectonucleotide pyrophosphatase/phosphodiesterase 1; plus strand). Cytogenetic location: 6q23.2.
Variant type: single nucleotide variant.
Coding change: c.860C>T on transcript NM_006208.3 (MANE Select); coding-DNA position 860, C replaced by T.
Protein change: p.Ser287Phe; replaces serine 287 with phenylalanine.
Molecular consequence: missense variant.
Genome position (GRCh38, 1-based): chr6:131,860,451, C>T. VCF-style: chr6-131860451-C-T. GRCh37 (hg19) VCF-style: chr6-132181591-C-T.
Other names: short protein forms S287F.
Identifiers: ClinVar variation 733834 (VCV000733834.11), dbSNP rs190947144, ClinGen allele CA4002026.

ClinVar aggregate classification (germline): Conflicting classifications of pathogenicity. Review status: criteria provided, conflicting classifications (1 of 4 stars). 2 submissions from 2 submitters: Uncertain significance (1); Likely benign (1). Last evaluated 2025-10-05.

Allele frequency attached by ClinVar (database versions not stated): TOPMed 0.00005; 1000 Genomes Project 30x 0.00031; gnomAD 0.00031 and 0.00032; ExAC 0.00038; gnomAD exomes 0.00038; 1000 Genomes Project 0.00040.
gnomAD v4.1: 354 of 1,595,002 alleles (0.022%); highest among the groups gnomAD compares: East Asian, 0.069%; 1 homozygote.

Submissions (2):

Labcorp Genetics (formerly Invitae), Labcorp
Classification: Likely benign. Last evaluated: 2025-10-05. Review status: criteria provided, single submitter. Criteria: Invitae Variant Classification Sherloc (09022015). Collection method: clinical testing. Allele origin: germline.

Women's Health and Genetics/Laboratory Corporation of America, LabCorp
Classification: Uncertain significance. Last evaluated: 2024-03-08. Review status: criteria provided, single submitter. Criteria: LabCorp Variant Classification Summary - May 2015. Collection method: clinical testing. Allele origin: germline.
Comment: Variant summary: ENPP1 c.860C>T (p.Ser287Phe) results in a non-conservative amino acid change in the encoded protein sequence. Three of four in-silico tools predict a benign effect of the variant on protein function. The variant allele was found at a frequency of 0.00038 in 250630 control chromosomes. c.860C>T has been reported in the literature at a heterozygous state in one unspecified individual affected with Ossification of the posterior longitudinal ligament of the spine (Nakamura_1999). These report(s) do not provide unequivocal conclusions about association of the variant with ENPP1-Related Disorders. To our knowledge, no experimental evidence demonstrating an impact on protein function has been reported. The following publication have been ascertained in the context of this evaluation (PMID: 10453738). ClinVar contains an entry for this variant (Variation ID: 733834). Based on the evidence outlined above, the variant was classified as uncertain significance.

Literature cited by the submitters: PubMed 10453738 (cited by Women's Health and Genetics/Laboratory Corporation of America, LabCorp).